The following is an entry in ClinVar:

ClinVar aggregate classification (germline): Likely benign. Review status: criteria provided, single submitter (1 of 4 stars). 3 submissions from 2 submitters: Likely benign (1). 2 of the submissions do not count toward it. Last evaluated 2018-06-23.

Conditions:
Tuberous sclerosis syndrome (TSC). Also called: Tuberous Sclerosis Complex; Tuberous sclerosis. Identifiers: Orphanet 805, MedGen C0041341, MONDO:0001734.

Submissions (3):

GeneDx
Classification: Likely benign. Last evaluated: 2018-06-23. Review status: criteria provided, single submitter. Criteria: GeneDx Variant Classification Process June 2021. Collection method: clinical testing. Allele origin: germline. Affected: yes.

Tuberous sclerosis database (TSC2)
No classification provided. Condition: TSC. Review status: no classification provided. Criteria: Tuberous Sclerosis Database Assertion Criteria 2015. Collection method: curation. Allele origin: germline. Affected: yes. Not counted in ClinVar's aggregate classification.

Tuberous sclerosis database (TSC2)
No classification provided. Last evaluated: 2011-04-06. Review status: flagged submission. Criteria: Tuberous Sclerosis Database Assertion Criteria 2015. Collection method: curation. Allele origin: unknown. Not counted in ClinVar's aggregate classification.
ClinVar note: Reason: This record appears to be redundant with a more recent record from the same submitter.
ClinVar note: Notes: SCV000066412 appears to be redundant with SCV000067013.

NM_000548.5(TSC2):c.5161-28_5161-25del

Gene: TSC2 (TSC complex subunit 2; plus strand). Cytogenetic location: 16p13.3.
Variant type: Deletion.
Coding change: c.5161-28_5161-25del on transcript NM_000548.5 (MANE Select); 28 bases into the intron before coding-DNA position 5161 through 25 bases into the intron before coding-DNA position 5161, 4 bases deleted (TGAG; older notation c.5161-28_5161-25delTGAG).
Molecular consequence: intron variant.
Genome position (GRCh38, 1-based): chr16:2,088,199-2,088,202, TGAG deleted; deleting any 4 consecutive bases within chr16:2,088,197-2,088,202 gives the same sequence; the c. name uses the placement nearest the transcript's 3' end. VCF-style (leftmost placement, unchanged base first): chr16-2088196-TAGTG-T. GRCh37 (hg19) VCF-style: chr16-2138197-TAGTG-T.
Other names: c.5092-28_5092-25del (NM_001114382.3); c.5032-28_5032-25del (NM_021055.3); c.5032-40_5032-37del (NM_001370405.1); c.4963-28_4963-25del (NM_001363528.2); c.5029-28_5029-25del (NM_001370404.1); c.4960-28_4960-25del (NM_001077183.3); c.4852-28_4852-25del (NM_001318827.2); c.4429-28_4429-25del (NM_001318831.2); and 2 more.
Identifiers: ClinVar variation 49945 (VCV000049945.4), dbSNP rs1799758, ClinGen allele CA263026.